The following is an entry in ClinVar:

ClinVar aggregate classification (germline): Conflicting classifications of pathogenicity. Review status: criteria provided, conflicting classifications (1 of 4 stars). 2 submissions from 2 submitters: Uncertain significance (1); Likely benign (1). Last evaluated 2023-03-23.

Conditions:
Hereditary cancer-predisposing syndrome. Also called: Tumor predisposition; Hereditary Cancer Syndrome; Neoplastic Syndromes, Hereditary; Hereditary neoplastic syndrome. Identifiers: Orphanet 140162, MedGen C0027672, MeSH D009386, MONDO:0015356.

Submissions (2):

University of Washington Department of Laboratory Medicine, University of Washington
Classification: Likely benign for Hereditary cancer-predisposing syndrome. Last evaluated: 2023-03-23. Review status: criteria provided, single submitter. Criteria: Dines et al. (Genet Med. 2020). Collection method: curation. Allele origin: germline.
Comment: Missense variant in a coldspot region where missense variants are very unlikely to be pathogenic (PMID:31911673).

BRCA1 coldspot (exon 11 using historical exon numbering). Reclassification based on statistical prior probability

Ambry Genetics
Classification: Uncertain significance for Hereditary cancer-predisposing syndrome. Last evaluated: 2018-11-06. Review status: criteria provided, single submitter. Criteria: Ambry Variant Classification Scheme 2023. Collection method: clinical testing. Allele origin: germline.
Comment: The p.C328Y variant (also known as c.983G>A), located in coding exon 9 of the BRCA1 gene, results from a G to A substitution at nucleotide position 983. The cysteine at codon 328 is replaced by tyrosine, an amino acid with highly dissimilar properties. This amino acid position is well conserved in available vertebrate species. In addition, the in silico prediction for this alteration is inconclusive. Since supporting evidence is limited at this time, the clinical significance of this alteration remains unclear.

NM_007294.4(BRCA1):c.983G>A (p.Cys328Tyr)

Gene: BRCA1 (BRCA1 DNA repair associated; minus strand). Cytogenetic location: 17q21.31.
Variant type: single nucleotide variant.
Coding change: c.983G>A on transcript NM_007294.4 (MANE Select); coding-DNA position 983, G replaced by A.
Protein change: p.Cys328Tyr; replaces cysteine 328 with tyrosine.
Molecular consequence: missense variant. On other transcripts: intron variant (137).
Genome position (GRCh38, 1-based): chr17:43,094,548, C>T on the plus strand (G>A on the coding strand, the complement: BRCA1 is on the minus strand). VCF-style: chr17-43094548-C-T. GRCh37 (hg19) VCF-style: chr17-41246565-C-T.
Other names: c.770G>A, p.Cys257Tyr (NM_001407571.1, NM_001407853.1, NM_001407894.1 and 9 more transcripts); c.983G>A, p.Cys328Tyr (NM_001407581.1, NM_001407582.1, NM_001407583.1 and 30 more transcripts); c.980G>A, p.Cys327Tyr (NM_001407587.1, NM_001407590.1, NM_001407591.1 and 22 more transcripts); c.974G>A, p.Cys325Tyr (NM_001407646.1, NM_001407647.1); c.860G>A, p.Cys287Tyr (NM_001407648.1, NM_001407664.1, NM_001407665.1 and 19 more transcripts); c.857G>A, p.Cys286Tyr (NM_001407649.1, NM_001407670.1, NM_001407671.1 and 11 more transcripts); c.905G>A, p.Cys302Tyr (NM_001407653.1, NM_001407654.1, NM_001407655.1 and 4 more transcripts); c.902G>A, p.Cys301Tyr (NM_001407659.1, NM_001407660.1, NM_001407661.1 and 1 more transcripts); and 40 more; short protein forms C281Y, C328Y, C200Y, C240Y, C258Y, C32Y, C160Y, C239Y.
Identifiers: ClinVar variation 823503 (VCV000823503.7), dbSNP rs1567801307, ClinGen allele CA10600094.